The following is an entry in ClinVar:

ClinVar aggregate classification (germline): Conflicting classifications of pathogenicity. Review status: criteria provided, conflicting classifications (1 of 4 stars). 14 submissions from 13 submitters: Uncertain significance (13); Benign (1). Last evaluated 2026-05-13.

Conditions:
MYBPC3-related disorder. Also called: MYBPC3-related disorders; MYBPC3-related condition; MYBPC3-related disease.
Cardiovascular phenotype. Identifiers: MedGen CN230736.
Left ventricular noncompaction 10 (LVNC10). Identifiers: Orphanet 154, Orphanet 54260, MedGen C3715165, MONDO:0014163, OMIM 615396.
Hypertrophic cardiomyopathy 4. Also called: Familial hypertrophic cardiomyopathy 4. Identifiers: MedGen C1861862, MONDO:0007268, OMIM 115197.
Cardiomyopathy (CMYO). Also called: Cardiomyopathies. Identifiers: Orphanet 167848, MedGen C0878544, MONDO:0004994, HP:0001638. Inheritance: Various modes of inheritance.
Hypertrophic cardiomyopathy. Also called: HYPERTROPHIC MYOCARDIOPATHY. Identifiers: Orphanet 217569, MedGen C0007194, MeSH D002312, MONDO:0005045, HP:0001639.

Allele frequency attached by ClinVar (database versions not stated): gnomAD 0.00001; TOPMed 0.00001; ExAC 0.00006.
gnomAD v4.1: 35 of 1,585,082 alleles (0.0022%); highest among the groups gnomAD compares: Middle Eastern, 0.017%; no homozygotes.

Submissions (14):

PreventionGenetics, part of Exact Sciences
Classification: Uncertain significance for MYBPC3-related condition. Last evaluated: 2026-05-13. Review status: criteria provided, single submitter. Criteria: ACMG Guidelines, 2015. Collection method: clinical testing. Allele origin: germline.
Comment: The MYBPC3 c.2938C>T variant is predicted to result in the amino acid substitution p.Arg980Cys. This variant has been reported in multiple individuals with cardiomyopathies (Table S1B, Walsh et al. 2017. PubMed ID: 27532257; Table S1, Thompson et al. 2021. PubMed ID: 33782553; Table S8, McGurk et al. 2023. PubMed ID: 37652022), including an individual with obstructive hypertrophic cardiomyopathy (Albertini et al. 2025. PubMed ID: 40622474) and an individual with left ventricular dysfunction (Supplemental Table 3, Hazebroek et al. 2018. PubMed ID: 29540472). However, this variant has also been noted in healthy or asymptomatic individuals (Table S8, McGurk. 2023. PubMed ID: 37652022; van Driel et al. 2025. PubMed ID: 40601822). An alternate missense variant at the same amino acid position (p.Arg980His) has also been reported in individuals from heart disease cohorts (Table S2, Bick et al. 2012. PubMed ID: 22958901; Table S1B, Walsh. 2017. PubMed ID: 27532257) and healthy controls (Table S8, McGurk. 2023. PubMed ID: 37652022). The c.2938C>T variant is reported in 0.0058% of alleles in individuals of European (non-Finnish) descent in gnomAD and most laboratories in ClinVar classify the variant as uncertain (Variation ID: 42671). At this time, the clinical significance of this variant is uncertain due to the absence of conclusive functional and genetic evidence.

Women's Health and Genetics/Laboratory Corporation of America, LabCorp
Classification: Uncertain significance. Last evaluated: 2026-03-23. Review status: criteria provided, single submitter. Criteria: LabCorp Variant Classification Summary - May 2015. Collection method: clinical testing. Allele origin: germline.
Comment: Variant summary: MYBPC3 c.2938C>T (p.Arg980Cys) results in a non-conservative amino acid change in the encoded protein sequence. Algorithms developed to predict the effect of missense changes on protein structure and function are either unavailable or do not agree on the potential impact of this missense change. The variant allele was found at a frequency of 2.2e-05 in 1585082 control chromosomes. This frequency is not significantly higher than estimated for disease-causing variants in MYBPC3, allowing no conclusion about variant significance. c.2938C>T has been observed in individuals affected with Hypertrophic Cardiomyopathy (Walsh_2017), Dilated Cardiomyopathy (Verdonschot_2018), or Left Ventricular Dysfunction (Bick_2012). These reports do not provide unequivocal conclusions about association of the variant with Cardiomyopathy. To our knowledge, no experimental evidence demonstrating an impact on protein function has been reported. The following publications have been ascertained in the context of this evaluation (PMID: 22958901, 37652022, 32880476, 30571196, 27532257). ClinVar contains an entry for this variant (Variation ID: 42671). Based on the evidence outlined above, the variant was classified as uncertain significance.

Labcorp Genetics (formerly Invitae), Labcorp
Classification: Uncertain significance for Hypertrophic cardiomyopathy. Last evaluated: 2025-12-03. Review status: criteria provided, single submitter. Criteria: Invitae Variant Classification Sherloc (09022015). Collection method: clinical testing. Allele origin: germline.
Comment: This sequence change replaces arginine, which is basic and polar, with cysteine, which is neutral and slightly polar, at codon 980 of the MYBPC3 protein (p.Arg980Cys). The frequency data for this variant in the population databases is considered unreliable, as metrics indicate poor data quality at this position in the gnomAD database. This missense change has been observed in individual(s) with abnormal left ventricular wall thickness, diameter, and/or function (PMID: 22958901, 27532257, 29540472, 32880476, 37652022). ClinVar contains an entry for this variant (Variation ID: 42671). An algorithm developed to predict the effect of missense changes on protein structure and function (PolyPhen-2) suggests that this variant is likely to be disruptive. In summary, the available evidence is currently insufficient to determine the role of this variant in disease. Therefore, it has been classified as a Variant of Uncertain Significance.

Blueprint Genetics
Classification: Uncertain significance. Last evaluated: 2024-09-25. Review status: criteria provided, single submitter. Criteria: ACMG Guidelines, 2015. Collection method: clinical testing. Allele origin: germline.

Fulgent Genetics
Classification: Uncertain significance for Hypertrophic cardiomyopathy 4; Left ventricular noncompaction 10. Last evaluated: 2024-06-24. Review status: criteria provided, single submitter. Criteria: ACMG Guidelines, 2015. Collection method: clinical testing. Allele origin: germline.

All of Us Research Program, National Institutes of Health
Classification: Uncertain significance for Hypertrophic cardiomyopathy. Last evaluated: 2024-04-16. Review status: criteria provided, single submitter. Criteria: ACMG Guidelines, 2015. Collection method: clinical testing. Allele origin: germline. Inheritance: Autosomal dominant inheritance. Observed: 10 variant alleles, 10 heterozygotes.
Comment: This missense variant replaces arginine with cysteine at codon 980 of the MYBPC3 protein. Computational prediction tools indicate that this variant's impact on protein structure and function is inconclusive. To our knowledge, functional studies have not been reported for this variant. This variant has been reported in one individual affected with hypertrophic cardiomyopathy (PMID: 27532257, 33782553), in one individual affected with dilated cardiomyopathy (PMID: 32880476), in one individual affected with isolated left ventricular dysfunction (PMID: 22958901), and in one individual affected with unspecified heart disease (PMID: 29540472). This variant has been identified in 6/233074 chromosomes in the general population by the Genome Aggregation Database (gnomAD). The available evidence is insufficient to determine the role of this variant in disease conclusively. Therefore, this variant is classified as a Variant of Uncertain Significance.

This study involves interpretation of variants in research participants for the purpose of population health screening. Participant phenotype was not available at the time of variant classification. Additional details can be found in publication PMID: 35346344, PMCID: PMC8962531

Color Diagnostics, LLC DBA Color Health
Classification: Uncertain significance for Cardiomyopathy. Last evaluated: 2024-03-29. Review status: criteria provided, single submitter. Criteria: ACMG Guidelines, 2015. Collection method: clinical testing. Allele origin: germline.
Comment: This missense variant replaces arginine with cysteine at codon 980 of the MYBPC3 protein. Computational prediction tools indicate that this variant's impact on protein structure and function is inconclusive. To our knowledge, functional studies have not been reported for this variant. This variant has been reported in one individual affected with hypertrophic cardiomyopathy (PMID: 27532257, 33782553), in one individual affected with dilated cardiomyopathy (PMID: 32880476), in one individual affected with isolated left ventricular dysfunction (PMID: 22958901), and in one individual affected with unspecified heart disease (PMID: 29540472). This variant has been identified in 6/233074 chromosomes in the general population by the Genome Aggregation Database (gnomAD). The available evidence is insufficient to determine the role of this variant in disease conclusively. Therefore, this variant is classified as a Variant of Uncertain Significance.

Department of Pathology and Laboratory Medicine, Sinai Health System
Classification: Uncertain significance for Hypertrophic cardiomyopathy 4; Left ventricular noncompaction 10. Last evaluated: 2022-09-27. Review status: criteria provided, single submitter. Criteria: ACMG Guidelines, 2015. Collection method: research. Allele origin: germline.

GeneDx
Classification: Uncertain significance. Last evaluated: 2022-08-08. Review status: criteria provided, single submitter. Criteria: GeneDx Variant Classification Process June 2021. Collection method: clinical testing. Allele origin: germline. Affected: yes.
Comment: Reported in association with left ventricular dysfunction (Bick et al., 2012; Hazbroek et al., 2018), HCM (Walsh et al., 2017), and DCM (Verdonschot et al., 2020) in published literature; In silico analysis supports that this missense variant has a deleterious effect on protein structure/function; This variant is associated with the following publications: (PMID: 27532257, 29540472, 22958901, 32880476)

Ambry Genetics
Classification: Uncertain significance for Cardiovascular phenotype. Last evaluated: 2020-09-02. Review status: criteria provided, single submitter. Criteria: Ambry Variant Classification Scheme 2023. Collection method: clinical testing. Allele origin: germline.

Illumina Laboratory Services, Illumina
Classification: Benign for Left ventricular noncompaction 10. Last evaluated: 2018-01-13. Review status: criteria provided, single submitter. Criteria: ICSL Variant Classification Criteria 13 December 2019. Collection method: clinical testing. Allele origin: germline.
Comment: This variant was observed in the ICSL laboratory as part of a predisposition screen in an ostensibly healthy population. It had not been previously curated by ICSL or reported in the Human Gene Mutation Database (HGMD: prior to June 1st, 2018), and was therefore a candidate for classification through an automated scoring system. Utilizing variant allele frequency, disease prevalence and penetrance estimates, and inheritance mode, an automated score was calculated to assess if this variant is too frequent to cause the disease. Based on the score and internal cut-off values, a variant classified as benign is not then subjected to further curation. The score for this variant resulted in a classification of benign for this disease.

Illumina Laboratory Services, Illumina
Classification: Uncertain significance for Hypertrophic cardiomyopathy 4. Last evaluated: 2018-01-13. Review status: criteria provided, single submitter. Criteria: ICSL Variant Classification Criteria 13 December 2019. Collection method: clinical testing. Allele origin: germline.

Stanford Center for Inherited Cardiovascular Disease, Stanford University
Classification: Uncertain significance. Last evaluated: 2017-11-10. Review status: criteria provided, single submitter. Criteria: ACMG Guidelines, 2015. Collection method: provider interpretation. Allele origin: germline.

Laboratory for Molecular Medicine, Mass General Brigham Personalized Medicine
Classification: Uncertain significance. Last evaluated: 2012-06-28. Review status: criteria provided, single submitter. Criteria: LMM Criteria. Collection method: clinical testing. Allele origin: germline. Observed: 1 variant allele.
Comment: The Arg980Cys variant in MYBPC3 has not been previously reported in the literatu re nor previously been identified in >3600 individuals (>2200 Caucasian, >300 Bl ack) tested by our laboratory. Computational analyses (biochemical amino acid pr operties, conservation, AlignGVGD, PolyPhen2, and SIFT) suggest that this varian t may impact the protein, though this information is not predictive enough to de termine pathogenicity conclusively. Additional information is needed to fully as sess the clinical significance of the Arg980Cys variant.

Literature cited by the submitters: PubMed 22958901 (cited by 4 submitters); PubMed 27532257 (cited by 4 submitters); PubMed 32880476 (cited by 4 submitters); PubMed 37652022 (cited by Women's Health and Genetics/Laboratory Corporation of America, LabCorp and Labcorp Genetics (formerly Invitae), Labcorp); PubMed 30571196 (cited by Women's Health and Genetics/Laboratory Corporation of America, LabCorp); PubMed 29540472 (cited by 3 submitters); PubMed 33782553 (cited by All of Us Research Program, National Institutes of Health and Color Diagnostics, LLC DBA Color Health).

NM_000256.3(MYBPC3):c.2938C>T (p.Arg980Cys)

Gene: MYBPC3 (myosin binding protein C3; minus strand). Cytogenetic location: 11p11.2.
Variant type: single nucleotide variant.
Coding change: c.2938C>T on transcript NM_000256.3 (MANE Select); coding-DNA position 2938, C replaced by T.
Protein change: p.Arg980Cys; replaces arginine 980 with cysteine.
Molecular consequence: missense variant.
Genome position (GRCh38, 1-based): chr11:47,333,978, G>A on the plus strand (C>T on the coding strand, the complement: MYBPC3 is on the minus strand). VCF-style: chr11-47333978-G-A. GRCh37 (hg19) VCF-style: chr11-47355529-G-A.
Other names: short protein forms R980C.
Identifiers: ClinVar variation 42671 (VCV000042671.30), dbSNP rs397515994, ClinGen allele CA013207.